The following is an entry in ClinVar:

NM_001164508.2(NEB):c.13476+6A>C

Gene: NEB (nebulin; minus strand). Cytogenetic location: 2q23.3.
Variant type: single nucleotide variant.
Coding change: c.13476+6A>C on transcript NM_001164508.2 (MANE Select); 6 bases into the intron after coding-DNA position 13476, A replaced by C.
Molecular consequence: intron variant.
Genome position (GRCh38, 1-based): chr2:151,601,895, T>G on the plus strand (A>C on the coding strand, the complement: NEB is on the minus strand). VCF-style: chr2-151601895-T-G. GRCh37 (hg19) VCF-style: chr2-152458409-T-G.
Other names: c.11601+7914A>C (NM_004543.5); c.13476+6A>C (NM_001164507.2, NM_001271208.2).
Identifiers: ClinVar variation 2761652 (VCV002761652.3), dbSNP rs2552220853, ClinGen allele CA2697551087.

ClinVar aggregate classification (germline): Uncertain significance (1 of 4 stars; one submission).

Conditions:
Nemaline myopathy 2 (NEM2). Also called: Nemaline myopathy 2, autosomal recessive. Identifiers: MedGen C1850569, MONDO:0009725, OMIM 256030.

Submission:

Labcorp Genetics (formerly Invitae), Labcorp
Classification: Uncertain significance for Nemaline myopathy 2. Last evaluated: 2023-09-19. Review status: criteria provided, single submitter. Criteria: Invitae Variant Classification Sherloc (09022015). Collection method: clinical testing. Allele origin: germline.
Comment: Variants that disrupt the consensus splice site are a relatively common cause of aberrant splicing (PMID: 17576681, 9536098). Algorithms developed to predict the effect of sequence changes on RNA splicing suggest that this variant is not likely to affect RNA splicing. This variant has not been reported in the literature in individuals affected with NEB-related conditions. The frequency data for this variant in the population databases (gnomAD) is considered unreliable due to the presence of homologous sequence, such as pseudogenes or paralogs, in the genome. This sequence change falls in intron 88 of the NEB gene. It does not directly change the encoded amino acid sequence of the NEB protein. It affects a nucleotide within the consensus splice site. In summary, the available evidence is currently insufficient to determine the role of this variant in disease. Therefore, it has been classified as a Variant of Uncertain Significance. This variant occurs in a region of NEB (Exons 82-105) consisting of three highly homologous 8-exon repeat units (exons 82-89, exons 90-97, exons 98-105). Sequence variants in this region can be detected, but this assay cannot determine which of the three repeat units is affected, and zygosity is often ambiguous. All variants in this region are reported relative to the exon 82-89 repeat.

Literature cited by the submitters: PubMed 17576681; PubMed 9536098.